The following is an entry in ClinVar:

ClinVar aggregate classification (germline): Conflicting classifications of pathogenicity. Review status: criteria provided, conflicting classifications (1 of 4 stars). 9 submissions from 8 submitters: Uncertain significance (3); Likely benign (3). 3 of the submissions do not count toward it. Last evaluated 2026-02-01.

Conditions:
Aicardi-Goutieres syndrome 7 (AGS7). Identifiers: Orphanet 51, MedGen C3888244, MONDO:0014367, OMIM 615846.
Singleton-Merten syndrome 1 (SGMRT1). Also called: Widened medullary cavities of bone, aortic calcification, abnormal dentition, and muscular weakness; Syndrome of widened medullary cavities of the metacarpals and phalanges, aortic calcification and abnormal dentition. Identifiers: Orphanet 85191, MedGen C4225427, MONDO:0024535, OMIM 182250.
Immunodeficiency 95 (IMD95). Identifiers: MedGen C5676929, MONDO:0030692, OMIM 619773.

Allele frequency attached by ClinVar (database versions not stated): 1000 Genomes Project 30x 0.00047; 1000 Genomes Project 0.00060; ESP Exome Variant Server 0.00062; ExAC 0.00094; TOPMed 0.00105; gnomAD 0.00113 and 0.00117.
gnomAD v4.1: 1,835 of 1,613,886 alleles (0.11%); highest among the groups gnomAD compares: Middle Eastern, 0.26%; 3 homozygotes.

Submissions (9):

Labcorp Genetics (formerly Invitae), Labcorp
Classification: Likely benign for Aicardi-Goutieres syndrome 7; Singleton-Merten syndrome 1. Last evaluated: 2026-02-01. Review status: criteria provided, single submitter. Criteria: Invitae Variant Classification Sherloc (09022015). Collection method: clinical testing. Allele origin: germline.

CeGaT Center for Human Genetics Tuebingen
Classification: Likely benign. Last evaluated: 2026-01-01. Review status: criteria provided, single submitter. Criteria: CeGaT Center For Human Genetics Tuebingen Variant Classification Criteria Version 2. Collection method: clinical testing. Allele origin: germline. Affected: yes. Observed: 3 variant alleles.
Comment: IFIH1: BP4

Mayo Clinic Laboratories, Mayo Clinic
Classification: Uncertain significance. Last evaluated: 2025-07-29. Review status: criteria provided, single submitter. Criteria: ACMG Guidelines, 2015. Collection method: clinical testing. Allele origin: germline. Observed: 1 variant allele.
Comment: BP4_moderate

Blueprint Genetics
Classification: Likely benign. Last evaluated: 2024-11-18. Review status: criteria provided, single submitter. Criteria: ACMG Guidelines, 2015. Collection method: clinical testing. Allele origin: germline.

Center for Genomics, Ann and Robert H. Lurie Children's Hospital of Chicago
Classification: Uncertain significance for Aicardi-Goutieres syndrome 7; Singleton-Merten syndrome 1. Last evaluated: 2020-08-12. Review status: criteria provided, single submitter. Criteria: ACMG Guidelines, 2015. Collection method: clinical testing. Allele origin: germline.
Comment: IFIH1 NM_022168.3 exon 15 p.Gln955Glu (c.2863C>G): This variant has not been reported in the literature but is present in 0.7% (82/10370) of Ashkenazi Jewish alleles, including 1 homozygote, in the Genome Aggregation Database. This variant is present in ClinVar (Variation ID:705603). This variant amino acid Glutamic Acid (Glu) is present in several species and is not well conserved among evolutionarily distant species; this suggests that this variant may not impact the protein. Additional computational prediction tools do not suggest an impact. In summary, data on this variant is insufficient for disease classification. Therefore, the clinical significance of this variant is uncertain.

Center for Genomics, Ann and Robert H. Lurie Children's Hospital of Chicago
Classification: Uncertain significance for Immunodeficiency 95; Aicardi-Goutieres syndrome 7; Singleton-Merten syndrome 1. Review status: criteria provided, single submitter. Criteria: ACMG Guidelines, 2015. Collection method: clinical testing. Allele origin: germline.
Comment: IFIH1 NM_022168.3 exon 15 p.Gln955Glu (c.2863C>G): This variant has not been reported in the literature but is present in 0.7% (82/10370) of Ashkenazi Jewish alleles, including 1 homozygote, in the Genome Aggregation Database. This variant is present in ClinVar (Variation ID:705603). This variant amino acid Glutamic Acid (Glu) is present in several species and is not well conserved among evolutionarily distant species; this suggests that this variant may not impact the protein. Additional computational prediction tools do not suggest an impact. In summary, data on this variant is insufficient for disease classification. Therefore, the clinical significance of this variant is uncertain

Clinical Genetics DNA and cytogenetics Diagnostics Lab, Erasmus MC, Erasmus Medical Center
Classification: Likely benign. Review status: no assertion criteria provided. Collection method: clinical testing. Allele origin: germline. Affected: yes. Study: VKGL Data-share Consensus. Not counted in ClinVar's aggregate classification.

Genome Diagnostics Laboratory, University Medical Center Utrecht
Classification: Likely benign. Review status: no assertion criteria provided. Collection method: clinical testing. Allele origin: germline. Affected: yes. Study: VKGL Data-share Consensus. Not counted in ClinVar's aggregate classification.

Laboratory of Diagnostic Genome Analysis, Leiden University Medical Center (LUMC)
Classification: Likely benign. Review status: no assertion criteria provided. Collection method: clinical testing. Allele origin: germline. Affected: yes. Study: VKGL Data-share Consensus. Not counted in ClinVar's aggregate classification.

NM_022168.4(IFIH1):c.2863C>G (p.Gln955Glu)

Gene: IFIH1 (interferon induced with helicase C domain 1; minus strand). Cytogenetic location: 2q24.2.
Variant type: single nucleotide variant.
Coding change: c.2863C>G on transcript NM_022168.4 (MANE Select); coding-DNA position 2863, C replaced by G.
Protein change: p.Gln955Glu; replaces glutamine 955 with glutamic acid.
Molecular consequence: missense variant.
Genome position (GRCh38, 1-based): chr2:162,267,514, G>C on the plus strand (C>G on the coding strand, the complement: IFIH1 is on the minus strand). VCF-style: chr2-162267514-G-C. GRCh37 (hg19) VCF-style: chr2-163124024-G-C.
Other names: p.Gln955Glu; short protein forms Q955E.
Identifiers: ClinVar variation 705603 (VCV000705603.42), dbSNP rs144455277, ClinGen allele CA1934050.